The following is an entry in ClinVar:

NM_001348800.3(ZBTB20):c.1871A>C (p.His624Pro)

Gene: ZBTB20 (zinc finger and BTB domain containing 20; minus strand). Cytogenetic location: 3q13.31.
Variant type: single nucleotide variant.
Coding change: c.1871A>C on transcript NM_001348800.3 (MANE Select); coding-DNA position 1871, A replaced by C.
Protein change: p.His624Pro; replaces histidine 624 with proline.
Molecular consequence: missense variant. On other transcripts: non-coding transcript variant (1).
Genome position (GRCh38, 1-based): chr3:114,339,360, T>G on the plus strand (A>C on the coding strand, the complement: ZBTB20 is on the minus strand). VCF-style: chr3-114339360-T-G. GRCh37 (hg19) VCF-style: chr3-114058207-T-G.
Other names: c.1871A>C, p.His624Pro (NM_001164342.2, NM_001348803.3, NM_001393393.1 and 1 more transcripts); c.1652A>C, p.His551Pro (NM_001164343.2, NM_001164344.4, NM_001164345.4 and 9 more transcripts); short protein forms H551P, H624P.
Identifiers: ClinVar variation 1712633 (VCV001712633.2), dbSNP rs2550438849, ClinGen allele CA354001378.
Genomic context (GRCh38, chr3:114,339,360, plus strand): 5'-GTGAAGCGCTTGTTGCAGATACTACACTGGTATGCCCTCACTCCTGTGTGTGTCACCATG[T>G]GCTTGATAAGGTAATCCTTTAAGGAGAAGGAGCGCCAACAGATGCTGCATTGGTGGGGCT-3'
Protein context (NP_001335729.1, residues 614-634): SFSLKDYLIK[His624Pro]MVTHTGVRAY

ClinVar aggregate classification (germline): Pathogenic (1 of 4 stars; one submission).

Submission:

GeneDx
Classification: Pathogenic. Last evaluated: 2022-04-26. Review status: criteria provided, single submitter. Criteria: GeneDx Variant Classification Process June 2021. Collection method: clinical testing. Allele origin: germline. Affected: yes.
Comment: Not observed at significant frequency in large population cohorts (gnomAD); In silico analysis supports that this missense variant has a deleterious effect on protein structure/function; This variant is associated with the following publications: (PMID: 32266967)